The following is an entry in ClinVar:

NM_182916.3(TRNT1):c.65T>G (p.Leu22Arg)

Gene: TRNT1 (tRNA nucleotidyl transferase 1; plus strand). Cytogenetic location: 3p26.2.
Variant type: single nucleotide variant.
Coding change: c.65T>G on transcript NM_182916.3 (MANE Select); coding-DNA position 65, T replaced by G.
Protein change: p.Leu22Arg; replaces leucine 22 with arginine.
Molecular consequence: missense variant. On other transcripts: non-coding transcript variant (11).
Genome position (GRCh38, 1-based): chr3:3,129,105, T>G. VCF-style: chr3-3129105-T-G. GRCh37 (hg19) VCF-style: chr3-3170789-T-G.
Other names: c.65T>G (NM_182916.2); c.65T>G, p.Leu22Arg (NM_001302946.2, NM_001367321.1, NM_001367322.1 and 1 more transcripts); short protein forms L22R.
Identifiers: ClinVar variation 1036569 (VCV001036569.5), dbSNP rs191706901, ClinGen allele CA2228499.
Genomic context (GRCh38, chr3:3,129,105, plus strand): 5'-TGAGGTGCCTGTATCATTGGCACAGGCCAGTGCTGAACCGTAGGTGGAGTAGGCTGTGCC[T>G]TCCGAAGCAGTATCTATTCACAATGAAGTTGCAGTCTCCCGAATTCCAGTCACTTTTCAC-3'
Protein context (NP_886552.3, residues 12-32): VLNRRWSRLC[Leu22Arg]PKQYLFTMKL

ClinVar aggregate classification (germline): Uncertain significance. Review status: criteria provided, multiple submitters, no conflicts (2 of 4 stars). 2 submissions from 2 submitters: Uncertain significance (2). Last evaluated 2025-10-18.

Conditions:
Congenital sideroblastic anemia-B-cell immunodeficiency-periodic fever-developmental delay syndrome. Also called: Sideroblastic anemia with B-cell immunodeficiency, periodic fevers, and developmental delay. Identifiers: Orphanet 369861, MedGen C4015172, MONDO:0014487, OMIM 616084.
Inborn genetic diseases. Identifiers: MedGen C0950123, MeSH D030342.

Allele frequency attached by ClinVar (database versions not stated): gnomAD 0.00002; gnomAD exomes below 0.00001 and 0.00001; ExAC 0.00001; TOPMed 0.00002; 1000 Genomes Project 30x 0.00016; 1000 Genomes Project 0.00020.
gnomAD v4.1: 9 of 1,613,992 alleles (0.00056%); highest among the groups gnomAD compares: Admixed American, 0.013%; no homozygotes.

Submissions (2):

Ambry Genetics
Classification: Uncertain significance for Inborn genetic diseases. Last evaluated: 2025-10-18. Review status: criteria provided, single submitter. Criteria: Ambry Variant Classification Scheme 2023. Collection method: clinical testing. Allele origin: germline.

Labcorp Genetics (formerly Invitae), Labcorp
Classification: Uncertain significance for Congenital sideroblastic anemia-B-cell immunodeficiency-periodic fever-developmental delay syndrome. Last evaluated: 2022-05-21. Review status: criteria provided, single submitter. Criteria: Invitae Variant Classification Sherloc (09022015). Collection method: clinical testing. Allele origin: germline.
Comment: ClinVar contains an entry for this variant (Variation ID: 1036569). In summary, the available evidence is currently insufficient to determine the role of this variant in disease. Therefore, it has been classified as a Variant of Uncertain Significance. Algorithms developed to predict the effect of missense changes on protein structure and function (SIFT, PolyPhen-2, Align-GVGD) all suggest that this variant is likely to be tolerated. This variant has not been reported in the literature in individuals affected with TRNT1-related conditions. This variant is present in population databases (rs191706901, gnomAD 0.006%). This sequence change replaces leucine, which is neutral and non-polar, with arginine, which is basic and polar, at codon 22 of the TRNT1 protein (p.Leu22Arg).